The following is an entry in ClinVar:

NM_004064.5(CDKN1B):c.476-5C>T

Gene: CDKN1B (cyclin dependent kinase inhibitor 1B; plus strand). Cytogenetic location: 12p13.1.
Variant type: single nucleotide variant.
Coding change: c.476-5C>T on transcript NM_004064.5 (MANE Select); 5 bases into the intron before coding-DNA position 476, C replaced by T.
Molecular consequence: intron variant.
Genome position (GRCh38, 1-based): chr12:12,718,820, C>T. VCF-style: chr12-12718820-C-T. GRCh37 (hg19) VCF-style: chr12-12871754-C-T.
Identifiers: ClinVar variation 307670 (VCV000307670.21), dbSNP rs370509436, ClinGen allele CA6457545.

ClinVar aggregate classification (germline): Benign/Likely benign. Review status: criteria provided, multiple submitters, no conflicts (2 of 4 stars). 6 submissions from 6 submitters: Benign (2); Likely benign (3). 1 of the submissions does not count toward it. Last evaluated 2025-11-17.

Conditions:
Multiple endocrine neoplasia type 4. Also called: MULTIPLE ENDOCRINE NEOPLASIA, TYPE IV. Identifiers: Orphanet 276152, MedGen C1970712, MONDO:0012552, OMIM 610755.
CDKN1B-related disorder. Also called: CDKN1B-related condition.
Hereditary cancer-predisposing syndrome. Also called: Neoplastic Syndromes, Hereditary; Tumor predisposition; Hereditary Cancer Syndrome; Hereditary neoplastic syndrome. Identifiers: Orphanet 140162, MedGen C0027672, MeSH D009386, MONDO:0015356.

Allele frequency attached by ClinVar (database versions not stated): ExAC 0.00006; 1000 Genomes Project 30x 0.00016; 1000 Genomes Project 0.00020; ESP Exome Variant Server 0.00023; gnomAD 0.00027 and 0.00031; TOPMed 0.00041.

Submissions (6):

Labcorp Genetics (formerly Invitae), Labcorp
Classification: Likely benign for Multiple endocrine neoplasia type 4. Last evaluated: 2025-11-17. Review status: criteria provided, single submitter. Criteria: Invitae Variant Classification Sherloc (09022015). Collection method: clinical testing. Allele origin: germline.

Quest Diagnostics Nichols Institute San Juan Capistrano
Classification: Benign. Last evaluated: 2025-01-31. Review status: criteria provided, single submitter. Criteria: Quest Diagnostics criteria. Collection method: clinical testing. Allele origin: unknown.

Sema4
Classification: Likely benign for Hereditary cancer-predisposing syndrome. Last evaluated: 2022-01-12. Review status: criteria provided, single submitter. Criteria: Sema4 Curation Guidelines. Collection method: curation. Allele origin: germline.

Ambry Genetics
Classification: Likely benign for Hereditary cancer-predisposing syndrome. Last evaluated: 2020-03-24. Review status: criteria provided, single submitter. Criteria: Ambry Variant Classification Scheme 2023. Collection method: clinical testing. Allele origin: germline.

Illumina Laboratory Services, Illumina
Classification: Benign for Multiple endocrine neoplasia type 4. Last evaluated: 2018-01-13. Review status: criteria provided, single submitter. Criteria: ICSL Variant Classification Criteria 13 December 2019. Collection method: clinical testing. Allele origin: germline.
Comment: This variant was observed in the ICSL laboratory as part of a predisposition screen in an ostensibly healthy population. It had not been previously curated by ICSL or reported in the Human Gene Mutation Database (HGMD: prior to June 1st, 2018), and was therefore a candidate for classification through an automated scoring system. Utilizing variant allele frequency, disease prevalence and penetrance estimates, and inheritance mode, an automated score was calculated to assess if this variant is too frequent to cause the disease. Based on the score and internal cut-off values, a variant classified as benign is not then subjected to further curation. The score for this variant resulted in a classification of benign for this disease.

PreventionGenetics, part of Exact Sciences
Classification: Likely benign for CDKN1B-related condition. Last evaluated: 2023-05-22. Review status: no assertion criteria provided. Collection method: clinical testing. Allele origin: germline. Not counted in ClinVar's aggregate classification.
Comment: This variant is classified as likely benign based on ACMG/AMP sequence variant interpretation guidelines (Richards et al. 2015 PMID: 25741868, with internal and published modifications).